The following is an entry in ClinVar:

ClinVar aggregate classification (germline): Uncertain significance (1 of 4 stars; one submission).

Conditions:
Cardiovascular phenotype. Identifiers: MedGen CN230736.

Submission:

Ambry Genetics
Classification: Uncertain significance for Cardiovascular phenotype. Last evaluated: 2026-07-17. Review status: criteria provided, single submitter. Criteria: Ambry Variant Classification Scheme 2023. Collection method: clinical testing. Allele origin: germline.
Comment: The p.I210T variant (also known as c.629T>C), located in coding exon 4 of the TBX1 gene, results from a T to C substitution at nucleotide position 629. The isoleucine at codon 210 is replaced by threonine, an amino acid with similar properties. This amino acid position is conserved. In addition, this alteration is predicted to be deleterious by in silico analysis. Based on the available evidence, the clinical significance of this variant remains unclear.

NM_001379200.1(TBX1):c.656T>C (p.Ile219Thr)

Gene: TBX1 (T-box transcription factor 1; plus strand). Cytogenetic location: 22q11.21.
Variant type: single nucleotide variant.
Coding change: c.656T>C on transcript NM_001379200.1 (MANE Select); coding-DNA position 656, T replaced by C.
Protein change: p.Ile219Thr; replaces isoleucine 219 with threonine.
Molecular consequence: missense variant.
Genome position (GRCh38, 1-based): chr22:19,764,271, T>C. VCF-style: chr22-19764271-T-C. GRCh37 (hg19) VCF-style: chr22-19751794-T-C.
Other names: c.629T>C, p.Ile210Thr (NM_005992.1, NM_080646.2, NM_080647.1); short protein forms I210T, I219T.
Identifiers: ClinVar variation 5030534 (VCV005030534.1).